The following is an entry in ClinVar:

ClinVar aggregate classification (germline): Likely benign (1 of 4 stars; one submission).

Submission:

GeneDx
Classification: Likely benign. Last evaluated: 2016-06-27. Review status: criteria provided, single submitter. Criteria: GeneDx Variant Classification (06012015). Collection method: clinical testing. Allele origin: germline. Affected: yes.
Comment: This variant is considered likely benign or benign based on one or more of the following criteria: it is a conservative change, it occurs at a poorly conserved position in the protein, it is predicted to be benign by multiple in silico algorithms, and/or has population frequency not consistent with disease.

NM_030662.4(MAP2K2):c.-23C>A

Genes: MAP2K2 (mitogen-activated protein kinase kinase 2; minus strand), LOC130063193 (ATAC-STARR-seq lymphoblastoid silent region 9881; plus strand). Cytogenetic location: 19p13.3.
Variant type: single nucleotide variant.
Coding change: c.-23C>A on transcript NM_030662.4 (MANE Select); 23 bases upstream of the start codon, C replaced by A.
Molecular consequence: 5 prime UTR variant.
Genome position (GRCh38, 1-based): chr19:4,123,898, G>T on the plus strand (C>A on the coding strand, the complement: MAP2K2 is on the minus strand). VCF-style: chr19-4123898-G-T. GRCh37 (hg19) VCF-style: chr19-4123895-G-T.
Identifiers: ClinVar variation 387212 (VCV000387212.1), dbSNP rs1057522728, ClinGen allele CA16608253.